The following is an entry in ClinVar:

ClinVar aggregate classification (germline): Conflicting classifications of pathogenicity. Review status: criteria provided, conflicting classifications (1 of 4 stars). 7 submissions from 7 submitters: Uncertain significance (4); Likely benign (2). 1 of the submissions does not count toward it. Last evaluated 2025-12-18.

Conditions:
USH2A-related disorder. Also called: USH2A-related condition; USH2A-related disorders. Identifiers: MedGen CN239332.
Usher syndrome type 2A. Also called: USHER SYNDROME, TYPE IIA; RETINAL DISEASE IN USHER SYNDROME TYPE IIA, MODIFIER OF. Identifiers: Orphanet 231178, Orphanet 886, MedGen C1848634, MONDO:0010169, OMIM 276901.
Retinitis pigmentosa 39 (RP39). Identifiers: Orphanet 791, MedGen C3151138, MONDO:0013436, OMIM 613809.

Allele frequency attached by ClinVar (database versions not stated): ExAC 0.00001; gnomAD exomes 0.00002 and 0.00003; gnomAD 0.00003 and 0.00004; TOPMed 0.00003.
gnomAD v4.1: 46 of 1,613,984 alleles (0.0029%); highest among the groups gnomAD compares: Middle Eastern, 0.12%; no homozygotes.

Submissions (7):

PreventionGenetics, part of Exact Sciences
Classification: Uncertain significance for USH2A-related condition. Last evaluated: 2025-12-18. Review status: criteria provided, single submitter. Criteria: ACMG Guidelines, 2015. Collection method: clinical testing. Allele origin: germline.
Comment: The USH2A c.12275G>A variant is predicted to result in the amino acid substitution p.Arg4092Lys. To our knowledge, this variant has not been reported in the literature. This variant is reported in 0.0028% of alleles in individuals of Latino descent in gnomAD. At this time, the clinical significance of this variant is uncertain due to the absence of conclusive functional and genetic evidence.

Blueprint Genetics
Classification: Uncertain significance. Last evaluated: 2024-11-06. Review status: criteria provided, single submitter. Criteria: ACMG Guidelines, 2015. Collection method: clinical testing. Allele origin: germline.

Labcorp Genetics (formerly Invitae), Labcorp
Classification: Uncertain significance. Last evaluated: 2024-10-29. Review status: criteria provided, single submitter. Criteria: Invitae Variant Classification Sherloc (09022015). Collection method: clinical testing. Allele origin: germline.
Comment: This sequence change replaces arginine, which is basic and polar, with lysine, which is basic and polar, at codon 4092 of the USH2A protein (p.Arg4092Lys). This variant is present in population databases (rs727505170, gnomAD 0.004%). This variant has not been reported in the literature in individuals affected with USH2A-related conditions. ClinVar contains an entry for this variant (Variation ID: 179851). Invitae Evidence Modeling of protein sequence and biophysical properties (such as structural, functional, and spatial information, amino acid conservation, physicochemical variation, residue mobility, and thermodynamic stability) indicates that this missense variant is not expected to disrupt USH2A protein function with a negative predictive value of 95%. In summary, the available evidence is currently insufficient to determine the role of this variant in disease. Therefore, it has been classified as a Variant of Uncertain Significance.

GeneDx
Classification: Uncertain significance. Last evaluated: 2024-02-26. Review status: criteria provided, single submitter. Criteria: GeneDx Variant Classification Process June 2021. Collection method: clinical testing. Allele origin: germline. Affected: yes.
Comment: Not observed at significant frequency in large population cohorts (gnomAD); In silico analysis supports that this missense variant does not alter protein structure/function; Has not been previously published as pathogenic or benign to our knowledge

Genomic Medicine Center of Excellence, King Faisal Specialist Hospital and Research Centre
Classification: Likely benign. Last evaluated: 2016-09-28. Review status: criteria provided, single submitter. Criteria: ACMG Guidelines, 2015. Collection method: research. Allele origin: germline. Affected: yes.

Laboratory for Molecular Medicine, Mass General Brigham Personalized Medicine
Classification: Likely benign. Last evaluated: 2014-07-08. Review status: criteria provided, single submitter. Criteria: LMM Criteria. Collection method: clinical testing. Allele origin: germline. Observed: 3 variant alleles.
Comment: p.Arg4092Lys in exon 62 of USH2A: This variant is not expected to have clinical significance due to a lack of conservation across species, including mammals. Of note, mouse, cat, Tasmanian devil, platypus, and several reptiles have a lysine (Lys) at this position despite high nearby amino acid conservation. In addition , computational prediction tools do not suggest a high likelihood of impact to t he protein.

Counsyl
Classification: Uncertain significance for Usher syndrome type 2A; Retinitis pigmentosa 39. Last evaluated: 2017-04-20. Review status: no assertion criteria provided. Collection method: clinical testing. Allele origin: unknown. Not counted in ClinVar's aggregate classification.

NM_206933.4(USH2A):c.12275G>A (p.Arg4092Lys)

Gene: USH2A (usherin; minus strand). Cytogenetic location: 1q41.
Variant type: single nucleotide variant.
Coding change: c.12275G>A on transcript NM_206933.4 (MANE Select); coding-DNA position 12275, G replaced by A.
Protein change: p.Arg4092Lys; replaces arginine 4092 with lysine.
Molecular consequence: missense variant.
Genome position (GRCh38, 1-based): chr1:215,680,168, C>T on the plus strand (G>A on the coding strand, the complement: USH2A is on the minus strand). VCF-style: chr1-215680168-C-T. GRCh37 (hg19) VCF-style: chr1-215853510-C-T.
Other names: short protein forms R4092K.
Identifiers: ClinVar variation 179851 (VCV000179851.15), dbSNP rs727505170, ClinGen allele CA185267.